The following is an entry in ClinVar:

NM_006231.4(POLE):c.106del (p.Glu36fs)

Gene: POLE (DNA polymerase epsilon, catalytic subunit; minus strand). Cytogenetic location: 12q24.33.
Variant type: Deletion.
Coding change: c.106del on transcript NM_006231.4 (MANE Select); coding-DNA position 106, one base deleted (G; older notation c.106delG).
Protein change: p.Glu36fs; shifts the reading frame from glutamic acid 36.
Molecular consequence: frameshift variant.
Genome position (GRCh38, 1-based): chr12:132,681,236, C deleted on the plus strand (G on the coding strand, the reverse complement: POLE is on the minus strand); the first of 2 consecutive C bases (chr12:132,681,236-132,681,237); deleting either gives the same sequence. VCF-style (leftmost placement, unchanged base first): chr12-132681235-TC-T. GRCh37 (hg19) VCF-style: chr12-133257821-TC-T.
Other names: short protein forms E36fs.
Identifiers: ClinVar variation 2109523 (VCV002109523.4), dbSNP rs2542198020, ClinGen allele CA2580086131.

ClinVar aggregate classification (germline): Pathogenic (1 of 4 stars; one submission).

Submission:

Labcorp Genetics (formerly Invitae), Labcorp
Classification: Pathogenic. Last evaluated: 2022-05-12. Review status: criteria provided, single submitter. Criteria: Invitae Variant Classification Sherloc (09022015). Collection method: clinical testing. Allele origin: germline.
Comment: This variant is not present in population databases (gnomAD no frequency). This sequence change creates a premature translational stop signal (p.Glu36Asnfs*18) in the POLE gene. It is expected to result in an absent or disrupted protein product. Loss-of-function variants in POLE are known to be pathogenic (PMID: 23230001, 25948378, 30503519). This variant has not been reported in the literature in individuals affected with POLE-related conditions. For these reasons, this variant has been classified as Pathogenic.

Literature cited by the submitters: PubMed 23230001; PubMed 25948378; PubMed 30503519.